The following is an entry in ClinVar:

NM_002117.6(HLA-C):c.981G>T (p.Val327=)

Gene: HLA-C (major histocompatibility complex, class I, C; minus strand). Cytogenetic location: 6p21.33.
Variant type: single nucleotide variant.
Coding change: c.981G>T on transcript NM_002117.6 (MANE Select); coding-DNA position 981, G replaced by T.
Protein change: p.Val327=; no amino-acid change (valine 327 retained).
Molecular consequence: synonymous variant.
Genome position (GRCh38, 1-based): chr6:31,270,000, C>A on the plus strand (G>T on the coding strand, the complement: HLA-C is on the minus strand). VCF-style: chr6-31270000-C-A. GRCh37 (hg19) VCF-style: chr6-31237777-C-A.
Identifiers: ClinVar variation 4084915 (VCV004084915.8).

ClinVar aggregate classification (germline): Likely benign (1 of 4 stars; one submission).

Submission:

CeGaT Center for Human Genetics Tuebingen
Classification: Likely benign. Last evaluated: 2026-02-01. Review status: criteria provided, single submitter. Criteria: CeGaT Center For Human Genetics Tuebingen Variant Classification Criteria Version 2. Collection method: clinical testing. Allele origin: germline. Affected: yes. Observed: 3 variant alleles.
Comment: HLA-C: PM2:Supporting, BP4, BP7